The following is an entry in ClinVar:

NM_182641.4(BPTF):c.6644C>G (p.Ala2215Gly)

Gene: BPTF (bromodomain PHD finger transcription factor; plus strand). Cytogenetic location: 17q24.2.
Variant type: single nucleotide variant.
Coding change: c.6644C>G on transcript NM_182641.4 (MANE Select); coding-DNA position 6644, C replaced by G.
Protein change: p.Ala2215Gly; replaces alanine 2215 with glycine.
Molecular consequence: missense variant.
Genome position (GRCh38, 1-based): chr17:67,944,316, C>G. VCF-style: chr17-67944316-C-G. GRCh37 (hg19) VCF-style: chr17-65940432-C-G.
Other names: c.6833C>G, p.Ala2278Gly (NM_001439139.1, NM_001439143.1, NM_001439144.1); c.7022C>G, p.Ala2341Gly (NM_001439140.1, NM_001439142.1, NM_004459.7); c.6995C>G, p.Ala2332Gly (NM_001439141.1); short protein forms A2215G, A2278G, A2332G, A2341G.
Identifiers: ClinVar variation 4535293 (VCV004535293.6).
Genomic context (GRCh38, chr17:67,944,316, plus strand): 5'-AGCTAATGCAAGCTGCAATGCCAAATGGTACTGTTCAGCGATTCCTCTTTACCCCATTGG[C>G]AACAACAGCCACCACAGCCAGCACCACCACCACCACTGTTTCCACGACAGCAGCAGGTAG-3'
Protein context (NP_872579.2, residues 2205-2225): TVQRFLFTPL[Ala2215Gly]TTATTASTTT

ClinVar aggregate classification (germline): Uncertain significance (1 of 4 stars; one submission).

gnomAD v4.1: 4 of 1,613,972 alleles (0.00025%); highest among the groups gnomAD compares: Non-Finnish European, 0.00034%; no homozygotes.

Submission:

CeGaT Center for Human Genetics Tuebingen
Classification: Uncertain significance. Last evaluated: 2025-11-01. Review status: criteria provided, single submitter. Criteria: CeGaT Center For Human Genetics Tuebingen Variant Classification Criteria Version 2. Collection method: clinical testing. Allele origin: germline. Affected: yes. Observed: 1 variant allele.
Comment: BPTF: PM2, PP2, BP4